The following is an entry in ClinVar:

ClinVar aggregate classification (germline): Benign. Review status: criteria provided, multiple submitters, no conflicts (2 of 4 stars). 5 submissions from 4 submitters: Benign (5). Last evaluated 2026-01-11.

Conditions:
Fibromuscular dysplasia, multifocal. Identifiers: MedGen C5543412, MONDO:0859151, OMIM 619329.
Ehlers-Danlos syndrome, classic type, 1 (EDSCL1). Also called: Ehlers-Danlos Syndrome, Classic Type, COL5A1-Related; EHLERS-DANLOS SYNDROME, GRAVIS TYPE; EHLERS-DANLOS SYNDROME, SEVERE CLASSIC TYPE; Ehlers-Danlos syndrome, type 1; EDS I. Identifiers: MedGen C0268335, MONDO:0019567, OMIM 130000.

Allele frequency attached by ClinVar (database versions not stated): TOPMed 0.00018; gnomAD 0.00011 and 0.00010; gnomAD exomes 0.00012 and 0.00025; ExAC 0.00022.
gnomAD v4.1: 188 of 1,613,390 alleles (0.012%); highest among the groups gnomAD compares: Admixed American, 0.11%; no homozygotes.

Submissions (5):

Labcorp Genetics (formerly Invitae), Labcorp
Classification: Benign for Ehlers-Danlos syndrome, classic type, 1. Last evaluated: 2026-01-11. Review status: criteria provided, single submitter. Criteria: Invitae Variant Classification Sherloc (09022015). Collection method: clinical testing. Allele origin: germline.

Women's Health and Genetics/Laboratory Corporation of America, LabCorp
Classification: Benign. Last evaluated: 2025-07-09. Review status: criteria provided, single submitter. Criteria: LabCorp Variant Classification Summary - May 2015. Collection method: clinical testing. Allele origin: germline.

Genome-Nilou Lab
Classification: Benign for Ehlers-Danlos syndrome, classic type, 1. Last evaluated: 2022-03-15. Review status: criteria provided, single submitter. Criteria: ACMG Guidelines, 2015. Collection method: clinical testing. Allele origin: germline. Affected: no.

Genome-Nilou Lab
Classification: Benign for Fibromuscular dysplasia, multifocal. Last evaluated: 2022-03-15. Review status: criteria provided, single submitter. Criteria: ACMG Guidelines, 2015. Collection method: clinical testing. Allele origin: germline. Affected: no.

GeneDx
Classification: Benign. Last evaluated: 2015-07-07. Review status: criteria provided, single submitter. Criteria: GeneDx Variant Classification (06012015). Collection method: clinical testing. Allele origin: germline. Affected: yes.
Comment: This variant is considered likely benign or benign based on one or more of the following criteria: it is a conservative change, it occurs at a poorly conserved position in the protein, it is predicted to be benign by multiple in silico algorithms, and/or has population frequency not consistent with disease.

NM_000093.5(COL5A1):c.2386-7C>T

Gene: COL5A1 (collagen type V alpha 1 chain; plus strand). Cytogenetic location: 9q34.3.
Variant type: single nucleotide variant.
Coding change: c.2386-7C>T on transcript NM_000093.5 (MANE Select); 7 bases into the intron before coding-DNA position 2386, C replaced by T.
Molecular consequence: intron variant.
Genome position (GRCh38, 1-based): chr9:134,780,095, C>T. VCF-style: chr9-134780095-C-T. GRCh37 (hg19) VCF-style: chr9-137671941-C-T.
Other names: c.2386-7C>T (NM_001278074.1).
Identifiers: ClinVar variation 212894 (VCV000212894.14), dbSNP rs746845504, ClinGen allele CA320669.
Genomic context (GRCh38, chr9:134,780,095, plus strand): 5'-CTGCGACAGCTCTAGAAAGGCTGAGACTTGTAACCATTCACTCCTTTTTCTTTTCCCACC[C>T]GCACAGGGGGCCGATGGCATCCGTGGTCTGAAGGGCACAAAGGGCGAGAAGGTAAGTCTC-3'